The following is an entry in ClinVar:

ClinVar aggregate classification (germline): Conflicting classifications of pathogenicity. Review status: criteria provided, conflicting classifications (1 of 4 stars). 2 submissions from 2 submitters: Uncertain significance (1); Likely benign (1). Last evaluated 2026-06-11.

Conditions:
Hereditary cancer-predisposing syndrome. Also called: Neoplastic Syndromes, Hereditary; Tumor predisposition; Hereditary Cancer Syndrome; Hereditary neoplastic syndrome. Identifiers: Orphanet 140162, MedGen C0027672, MeSH D009386, MONDO:0015356.

Submissions (2):

Ambry Genetics
Classification: Likely benign for Hereditary cancer-predisposing syndrome. Last evaluated: 2026-06-11. Review status: criteria provided, single submitter. Criteria: Ambry Variant Classification Scheme 2023. Collection method: clinical testing. Allele origin: germline.

GeneDx
Classification: Uncertain significance. Last evaluated: 2024-07-02. Review status: criteria provided, single submitter. Criteria: GeneDx Variant Classification Process June 2021. Collection method: clinical testing. Allele origin: germline. Affected: yes.
Comment: Not observed at significant frequency in large population cohorts (gnomAD); In silico analysis indicates that this missense variant does not alter protein structure/function; Has not been previously published as pathogenic or benign to our knowledge

NM_000264.5(PTCH1):c.32A>G (p.Gln11Arg)

Genes: PTCH1 (patched 1; minus strand), LOC130002133 (ATAC-STARR-seq lymphoblastoid silent region 20071; plus strand). Cytogenetic location: 9q22.32.
Variant type: single nucleotide variant.
Coding change: c.32A>G on transcript NM_000264.5 (MANE Select); coding-DNA position 32, A replaced by G.
Protein change: p.Gln11Arg; replaces glutamine 11 with arginine.
Molecular consequence: missense variant. On other transcripts: non-coding transcript variant (1), intron variant (3).
Genome position (GRCh38, 1-based): chr9:95,508,330, T>C on the plus strand (A>G on the coding strand, the complement: PTCH1 is on the minus strand). VCF-style: chr9-95508330-T-C. GRCh37 (hg19) VCF-style: chr9-98270612-T-C.
Other names: c.32A>G, p.Gln11Arg (NM_001354918.2); c.199-1731A>G (NM_001083603.3); c.4-1731A>G (NM_001083602.3, NM_001354919.2); short protein forms Q11R.
Identifiers: ClinVar variation 2560634 (VCV002560634.4), dbSNP rs2538404656, ClinGen allele CA374121612.